The following is an entry in ClinVar:

ClinVar aggregate classification (germline): Uncertain significance (1 of 4 stars; one submission).

Conditions:
Growth hormone insensitivity with immune dysregulation 1, autosomal recessive. Also called: GROWTH HORMONE INSENSITIVITY DUE TO POSTRECEPTOR DEFECT; LARON SYNDROME DUE TO POSTRECEPTOR DEFECT; Laron syndrome with immunodeficiency; GROWTH HORMONE INSENSITIVITY SYNDROME WITH IMMUNE DYSREGULATION 1, AUTOSOMAL RECESSIVE. Identifiers: Orphanet 220465, MedGen C5435698, MONDO:0100211, OMIM 245590.

Allele frequency attached by ClinVar (database versions not stated): TOPMed below 0.00001; gnomAD exomes 0.00001; ESP Exome Variant Server 0.00008.
gnomAD v4.1: 9 of 1,614,196 alleles (0.00056%); highest among the groups gnomAD compares: South Asian, 0.0011%; no homozygotes.

Submission:

Labcorp Genetics (formerly Invitae), Labcorp
Classification: Uncertain significance for Growth hormone insensitivity with immune dysregulation 1, autosomal recessive. Last evaluated: 2025-04-14. Review status: criteria provided, single submitter. Criteria: Invitae Variant Classification Sherloc (09022015). Collection method: clinical testing. Allele origin: germline.
Comment: This sequence change replaces lysine, which is basic and polar, with arginine, which is basic and polar, at codon 582 of the STAT5B protein (p.Lys582Arg). This variant is not present in population databases (gnomAD no frequency). This variant has not been reported in the literature in individuals affected with STAT5B-related conditions. ClinVar contains an entry for this variant (Variation ID: 1519016). Invitae Evidence Modeling of protein sequence and biophysical properties (such as structural, functional, and spatial information, amino acid conservation, physicochemical variation, residue mobility, and thermodynamic stability) indicates that this missense variant is not expected to disrupt STAT5B protein function with a negative predictive value of 80%. In summary, the available evidence is currently insufficient to determine the role of this variant in disease. Therefore, it has been classified as a Variant of Uncertain Significance.

NM_012448.4(STAT5B):c.1745A>G (p.Lys582Arg)

Gene: STAT5B (signal transducer and activator of transcription 5B; minus strand). Cytogenetic location: 17q21.2.
Variant type: single nucleotide variant.
Coding change: c.1745A>G on transcript NM_012448.4 (MANE Select); coding-DNA position 1745, A replaced by G.
Protein change: p.Lys582Arg; replaces lysine 582 with arginine.
Molecular consequence: missense variant.
Genome position (GRCh38, 1-based): chr17:42,210,433, T>C on the plus strand (A>G on the coding strand, the complement: STAT5B is on the minus strand). VCF-style: chr17-42210433-T-C. GRCh37 (hg19) VCF-style: chr17-40362451-T-C.
Other names: short protein forms K582R.
Identifiers: ClinVar variation 1519016 (VCV001519016.8), dbSNP rs374070270, ClinGen allele CA290737759.
Genomic context (GRCh38, chr17:42,210,433, plus strand): 5'-GTCGGCGCCTTAAGAAATAATGATTCTCACCCATCATTCCAATGAGGCTTGAGATGTTTT[T>C]TTAACACTTCCATCACACCGTCAAACCATTGCCAGAAAGTGTAATTCCGTCCTGGTAAAT-3'
Protein context (NP_036580.2, residues 572-592): QWFDGVMEVL[Lys582Arg]KHLKPHWNDG